The following is an entry in ClinVar:

ClinVar aggregate classification (germline): Benign. Review status: criteria provided, multiple submitters, no conflicts (2 of 4 stars). 8 submissions from 8 submitters: Benign (7). 1 of the submissions does not count toward it. Last evaluated 2025-02-16.

Conditions:
CASQ2-related disorder. Also called: CASQ2-related condition.
Cardiomyopathy (CMYO). Also called: Cardiomyopathies. Identifiers: Orphanet 167848, MedGen C0878544, MONDO:0004994, HP:0001638. Inheritance: Various modes of inheritance.
Catecholaminergic polymorphic ventricular tachycardia 2. Also called: CASQ2-Related Catecholaminergic Polymorphic Ventricular Tachycardia; VENTRICULAR TACHYCARDIA, STRESS-INDUCED POLYMORPHIC 2. Identifiers: Orphanet 3286, MedGen C2677794, MONDO:0012762, OMIM 611938.

Submissions (8):

Laboratory of Genetics, Children's Clinical University Hospital Latvia
Classification: Benign. Last evaluated: 2025-02-16. Review status: criteria provided, single submitter. Criteria: ACMG Guidelines, 2015. Collection method: clinical testing. Allele origin: germline. Affected: yes.

Blueprint Genetics
Classification: Benign. Last evaluated: 2024-11-26. Review status: criteria provided, single submitter. Criteria: ACMG Guidelines, 2015. Collection method: clinical testing. Allele origin: germline.

Genome-Nilou Lab
Classification: Benign for Catecholaminergic polymorphic ventricular tachycardia 2. Last evaluated: 2023-04-11. Review status: criteria provided, single submitter. Criteria: ACMG Guidelines, 2015. Collection method: clinical testing. Allele origin: germline. Affected: no.

Mayo Clinic Laboratories, Mayo Clinic
Classification: Benign. Last evaluated: 2023-01-12. Review status: criteria provided, single submitter. Criteria: ACMG Guidelines, 2015. Collection method: clinical testing. Allele origin: germline. Observed: 61 variant alleles.
Comment: BS1, BS2, BP4, BP7

CHEO Genetics Diagnostic Laboratory, Children's Hospital of Eastern Ontario
Classification: Benign for Cardiomyopathy. Last evaluated: 2019-09-06. Review status: criteria provided, single submitter. Criteria: ACMG Guidelines, 2015. Collection method: clinical testing. Allele origin: germline.

Genome Diagnostics Laboratory, University Medical Center Utrecht
Classification: Benign for Catecholaminergic polymorphic ventricular tachycardia 2. Last evaluated: 2016-12-08. Review status: criteria provided, single submitter. Criteria: ACGS Guidelines, 2013. Collection method: clinical testing. Allele origin: germline. Affected: yes. Study: VKGL Data-share Consensus.

GeneDx
Classification: Benign. Last evaluated: 2015-03-03. Review status: criteria provided, single submitter. Criteria: GeneDx Variant Classification Process June 2021. Collection method: clinical testing. Allele origin: germline. Affected: yes.

PreventionGenetics, part of Exact Sciences
Classification: Benign for CASQ2-related condition. Last evaluated: 2019-09-09. Review status: no assertion criteria provided. Collection method: clinical testing. Allele origin: germline. Not counted in ClinVar's aggregate classification.
Comment: This variant is classified as benign based on ACMG/AMP sequence variant interpretation guidelines (Richards et al. 2015 PMID: 25741868, with internal and published modifications).

NM_001232.4(CASQ2):c.738-5del

Gene: CASQ2 (calsequestrin 2; minus strand). Cytogenetic location: 1p13.1.
Variant type: Deletion.
Coding change: c.738-5del on transcript NM_001232.4 (MANE Select); 5 bases into the intron before coding-DNA position 738, one base deleted (T; older notation c.738-5delT).
Molecular consequence: intron variant.
Genome position (GRCh38, 1-based): chr1:115,725,558, A deleted on the plus strand (T on the coding strand, the reverse complement: CASQ2 is on the minus strand); the first of 23 consecutive A bases (chr1:115,725,558-115,725,580); deleting any one gives the same sequence. VCF-style (leftmost placement, unchanged base first): chr1-115725557-GA-G. GRCh37 (hg19) VCF-style: chr1-116268178-GA-G.
Other names: p.?; c.738-5delT (NM_001232.3); c.738-6delT (NM_001232.3).
Identifiers: ClinVar variation 522226 (VCV000522226.12), dbSNP rs56889721, ClinGen allele CA1023776.